The following is an entry in ClinVar:

ClinVar aggregate classification (germline): Likely benign (1 of 4 stars; one submission).

Conditions:
C2orf69-related disorder. Also called: C2orf69-related condition.

Submission:

PreventionGenetics, part of Exact Sciences
Classification: Likely benign for C2orf69-related condition. Last evaluated: 2024-11-26. Review status: criteria provided, single submitter. Criteria: ACMG Guidelines, 2015. Collection method: clinical testing. Allele origin: germline.
Comment: This variant is classified as likely benign based on ACMG/AMP sequence variant interpretation guidelines (Richards et al. 2015 PMID: 25741868, with internal and published modifications).

NM_153689.6(C2orf69):c.756A>G (p.Ser252=)

Gene: C2orf69 (chromosome 2 open reading frame 69; plus strand). Cytogenetic location: 2q33.1.
Variant type: single nucleotide variant.
Coding change: c.756A>G on transcript NM_153689.6 (MANE Select); coding-DNA position 756, A replaced by G.
Protein change: p.Ser252=; no amino-acid change (serine 252 retained).
Molecular consequence: synonymous variant.
Genome position (GRCh38, 1-based): chr2:199,925,484, A>G. VCF-style: chr2-199925484-A-G. GRCh37 (hg19) VCF-style: chr2-200790207-A-G.
Identifiers: ClinVar variation 4978910 (VCV004978910.1).